The following is an entry in ClinVar:

NM_000642.3(AGL):c.967C>T (p.Arg323Ter)

Gene: AGL (amylo-alpha-1,6-glucosidase and 4-alpha-glucanotransferase; plus strand). Cytogenetic location: 1p21.2.
Variant type: single nucleotide variant.
Coding change: c.967C>T on transcript NM_000642.3 (MANE Select); coding-DNA position 967, C replaced by T.
Protein change: p.Arg323Ter; replaces arginine 323 with a stop codon.
Molecular consequence: nonsense.
Genome position (GRCh38, 1-based): chr1:99,874,695, C>T. VCF-style: chr1-99874695-C-T. GRCh37 (hg19) VCF-style: chr1-100340251-C-T.
Other names: c.967C>T, p.Arg323Ter (NM_000028.3, NM_000643.3, NM_000644.3 and 3 more transcripts); c.919C>T, p.Arg307Ter (NM_000646.3); c.763C>T, p.Arg255Ter (NM_001425328.1, NM_001425329.1); c.589C>T, p.Arg197Ter (NM_001425332.1); short protein forms R323*, R307*, R197*, R255*.
Identifiers: ClinVar variation 526570 (VCV000526570.13), dbSNP rs757987101, ClinGen allele CA966346.
Genomic context (GRCh38, chr1:99,874,695, plus strand): 5'-TAATCTCTTTGTAGATATTTGCATTTAAGGTATCGTCTTTTCTTTCTTTTAGAAAATAGG[C>T]GAGTAACCAAGTCTGATCCAAACCAACACCTTACGATTATTCAAGATCCTGAATACAGAC-3'

ClinVar aggregate classification (germline): Pathogenic/Likely pathogenic. Review status: criteria provided, multiple submitters, no conflicts (2 of 4 stars). 5 submissions from 5 submitters: Pathogenic (3); Likely pathogenic (2). Last evaluated 2025-12-08.

Conditions:
Glycogen storage disease type III (GSD3). Also called: Cori disease; FORBES DISEASE. Identifiers: Orphanet 366, MedGen C0017922, MONDO:0009291, OMIM 232400.

Allele frequency attached by ClinVar (database versions not stated): ExAC below 0.00001.
gnomAD v4.1: 3 of 1,589,626 alleles (0.00019%); highest among the groups gnomAD compares: Admixed American, 0.0017%; no homozygotes.

Submissions (6):

Labcorp Genetics (formerly Invitae), Labcorp
Classification: Pathogenic for Glycogen storage disease type III. Last evaluated: 2025-12-08. Review status: criteria provided, single submitter. Criteria: Invitae Variant Classification Sherloc (09022015). Collection method: clinical testing. Allele origin: germline.
Comment: This sequence change creates a premature translational stop signal (p.Arg323*) in the AGL gene. It is expected to result in an absent or disrupted protein product. Loss-of-function variants in AGL are known to be pathogenic (PMID: 19299494). This variant is not present in population databases (gnomAD no frequency). This variant has not been reported in the literature in individuals affected with AGL-related conditions. ClinVar contains an entry for this variant (Variation ID: 526570). For these reasons, this variant has been classified as Pathogenic.

Natera, Inc.
Classification: Likely pathogenic for Glycogen storage disease type III. Last evaluated: 2025-06-10. Review status: criteria provided, single submitter. Criteria: Natera Variant Classification Schema (03/2026). Collection method: clinical testing. Allele origin: germline.
Comment: The c.967C>T variant in AGL is a nonsense variant predicted to introduce a stop codon at amino acid 323. This variant is expected to result in nonsense mediated decay, truncation, or a dysfunctional protein product. This variant is rare in the general population with a frequency below the threshold expected for the associated phenotype(s). Given the available evidence, this variant is classified as Likely Pathogenic.

Baylor Genetics
Classification: Likely pathogenic for Glycogen storage disease type III. Last evaluated: 2023-04-28. Review status: criteria provided, single submitter. Criteria: ACMG Guidelines, 2015. Collection method: clinical testing. Allele origin: unknown.

Genome-Nilou Lab
Classification: Pathogenic for Glycogen storage disease type III. Last evaluated: 2023-04-11. Review status: criteria provided, single submitter. Criteria: ACMG Guidelines, 2015. Collection method: clinical testing. Allele origin: germline. Affected: no.

Fulgent Genetics
Classification: Pathogenic for Glycogen storage disease type III. Last evaluated: 2021-08-30. Review status: criteria provided, single submitter. Criteria: ACMG Guidelines, 2015. Collection method: clinical testing. Allele origin: unknown.

Dr. Peter K. Rogan Lab, Western University
No classification provided (evidence only). Condition: Colon adenocarcinoma. Review status: no classification provided. Collection method: in vitro. Allele origin: not applicable. Functional consequence: retained intron. Not counted in ClinVar's aggregate classification.

Literature cited by the submitters: PubMed 19299494 (cited by Labcorp Genetics (formerly Invitae), Labcorp).